The following is an entry in ClinVar:

ClinVar aggregate classification (germline): Uncertain significance. Review status: criteria provided, multiple submitters, no conflicts (2 of 4 stars). 2 submissions from 2 submitters: Uncertain significance (2). Last evaluated 2023-10-06.

Conditions:
Peroxisome biogenesis disorder, complementation group K (CGK). Identifiers: MedGen C1866257, MONDO:0800365.

Allele frequency attached by ClinVar (database versions not stated): gnomAD exomes below 0.00001; gnomAD 0.00001; 1000 Genomes Project 30x 0.00016; 1000 Genomes Project 0.00020.
gnomAD v4.1: 2 of 1,614,158 alleles (0.00012%); highest among the groups gnomAD compares: East Asian, 0.0045%; no homozygotes.

Submissions (2):

Mayo Clinic Laboratories, Mayo Clinic
Classification: Uncertain significance. Last evaluated: 2023-10-06. Review status: criteria provided, single submitter. Criteria: ACMG Guidelines, 2015. Collection method: clinical testing. Allele origin: germline. Observed: 1 variant allele.
Comment: BP4, PM2_moderate

Labcorp Genetics (formerly Invitae), Labcorp
Classification: Uncertain significance for Peroxisome biogenesis disorder, complementation group K. Last evaluated: 2021-08-19. Review status: criteria provided, single submitter. Criteria: Invitae Variant Classification Sherloc (09022015). Collection method: clinical testing. Allele origin: germline.
Comment: This variant has not been reported in the literature in individuals affected with PEX14-related conditions. This variant is not present in population databases (ExAC no frequency). This sequence change replaces aspartic acid with asparagine at codon 64 of the PEX14 protein (p.Asp64Asn). The aspartic acid residue is moderately conserved and there is a small physicochemical difference between aspartic acid and asparagine. Algorithms developed to predict the effect of missense changes on protein structure and function (SIFT, PolyPhen-2, Align-GVGD) all suggest that this variant is likely to be tolerated. In summary, the available evidence is currently insufficient to determine the role of this variant in disease. Therefore, it has been classified as a Variant of Uncertain Significance.

NM_004565.3(PEX14):c.190G>A (p.Asp64Asn)

Gene: PEX14 (peroxisomal biogenesis factor 14; plus strand). Cytogenetic location: 1p36.22.
Variant type: single nucleotide variant.
Coding change: c.190G>A on transcript NM_004565.3 (MANE Select); coding-DNA position 190, G replaced by A.
Protein change: p.Asp64Asn; replaces aspartic acid 64 with asparagine.
Molecular consequence: missense variant.
Genome position (GRCh38, 1-based): chr1:10,599,258, G>A. VCF-style: chr1-10599258-G-A. GRCh37 (hg19) VCF-style: chr1-10659315-G-A.
Other names: p.Asp64Asn; short protein forms D64N.
Identifiers: ClinVar variation 1515799 (VCV001515799.9), dbSNP rs535743906, ClinGen allele CA18354392.
Genomic context (GRCh38, chr1:10,599,258, plus strand): 5'-CAAAAGGTACTCACCTGCAATGATGTCCTCTTCTCCCCAGGGCTGACAGATGAAGAGATT[G>A]ATATGGCCTTCCAGCAGTCGGGCACTGCTGCCGATGAGCCTTCGTCCTTGGGCCCAGCCA-3'
Protein context (NP_004556.1, residues 54-74): KKKGLTDEEI[Asp64Asn]MAFQQSGTAA